The following is an entry in ClinVar:

NM_000368.5(TSC1):c.2021T>G (p.Val674Gly)

Gene: TSC1 (TSC complex subunit 1; minus strand). Cytogenetic location: 9q34.13.
Variant type: single nucleotide variant.
Coding change: c.2021T>G on transcript NM_000368.5 (MANE Select); coding-DNA position 2021, T replaced by G.
Protein change: p.Val674Gly; replaces valine 674 with glycine.
Molecular consequence: missense variant.
Genome position (GRCh38, 1-based): chr9:132,904,431, A>C on the plus strand (T>G on the coding strand, the complement: TSC1 is on the minus strand). VCF-style: chr9-132904431-A-C. GRCh37 (hg19) VCF-style: chr9-135779818-A-C.
Other names: c.2018T>G, p.Val673Gly (NM_001162426.2); c.1868T>G, p.Val623Gly (NM_001162427.2); c.1658T>G, p.Val553Gly (NM_001362177.2); short protein forms V623G, V673G, V553G, V674G.
Identifiers: ClinVar variation 663383 (VCV000663383.8), dbSNP rs1588305911, ClinGen allele CA375361342.

ClinVar aggregate classification (germline): Uncertain significance (1 of 4 stars; one submission).

Conditions:
Tuberous sclerosis 1 (TSC1). Identifiers: Orphanet 805, MedGen C1854465, MONDO:0008612, OMIM 191100.

Submission:

Labcorp Genetics (formerly Invitae), Labcorp
Classification: Uncertain significance for Tuberous sclerosis 1. Last evaluated: 2018-07-24. Review status: criteria provided, single submitter. Criteria: Invitae Variant Classification Sherloc (09022015). Collection method: clinical testing. Allele origin: germline.
Comment: In summary, the available evidence is currently insufficient to determine the role of this variant in disease. Therefore, it has been classified as a Variant of Uncertain Significance. This sequence change replaces valine with glycine at codon 674 of the TSC1 protein (p.Val674Gly). The valine residue is moderately conserved and there is a moderate physicochemical difference between valine and glycine. This variant has not been reported in the literature in individuals with TSC1-related disease. Algorithms developed to predict the effect of missense changes on protein structure and function (SIFT, PolyPhen-2, Align-GVGD) all suggest that this variant is likely to be tolerated, but these predictions have not been confirmed by published functional studies and their clinical significance is uncertain. This variant is not present in population databases (ExAC no frequency).